The following is an entry in ClinVar:

NM_001113378.2(FANCI):c.325_326delinsAT (p.Ala109Ile)

Gene: FANCI (FA complementation group I; plus strand). Cytogenetic location: 15q26.1.
Variant type: Indel.
Coding change: c.325_326delinsAT on transcript NM_001113378.2 (MANE Select); coding-DNA positions 325 to 326, GC replaced by AT.
Protein change: p.Ala109Ile; replaces alanine 109 with isoleucine.
Molecular consequence: missense variant.
Genome position (GRCh38, 1-based): chr15:89,261,621-89,261,622, GC replaced by AT. VCF-style: chr15-89261621-GC-AT. GRCh37 (hg19) VCF-style: chr15-89804852-GC-AT.
Other names: c.46_47delinsAT, p.Ala16Ile (NM_001376910.1); c.325_326delinsAT, p.Ala109Ile (NM_001376911.1, NM_018193.3); short protein forms A16I, A109I.
Identifiers: ClinVar variation 1430444 (VCV001430444.6), dbSNP rs2151267729, ClinGen allele CA2573151342.

ClinVar aggregate classification (germline): Uncertain significance (1 of 4 stars; one submission).

Conditions:
Fanconi anemia (FA). Also called: Fanconi's anemia. Identifiers: Orphanet 84, MedGen C0015625, MeSH D005199, MONDO:0019391.

Submission:

Labcorp Genetics (formerly Invitae), Labcorp
Classification: Uncertain significance for Fanconi anemia. Last evaluated: 2021-11-21. Review status: criteria provided, single submitter. Criteria: Invitae Variant Classification Sherloc (09022015). Collection method: clinical testing. Allele origin: germline.
Comment: In summary, the available evidence is currently insufficient to determine the role of this variant in disease. Therefore, it has been classified as a Variant of Uncertain Significance. Algorithms developed to predict the effect of missense changes on protein structure and function are either unavailable or do not agree on the potential impact of this missense change (SIFT: "Not Available"; PolyPhen-2: "Benign"; Align-GVGD: "Not Available"). This variant has not been reported in the literature in individuals affected with FANCI-related conditions. Information on the frequency of this variant in the gnomAD database is not available, as this variant may be reported differently in the database. This sequence change replaces alanine, which is neutral and non-polar, with isoleucine, which is neutral and non-polar, at codon 109 of the FANCI protein (p.Ala109Ile).